The following is an entry in ClinVar:

ClinVar aggregate classification (germline): Pathogenic. Review status: reviewed by expert panel (3 of 4 stars). 10 submissions from 10 submitters: Pathogenic (1). 9 of the submissions do not count toward it. Last evaluated 2016-09-08.

Conditions:
Hereditary cancer-predisposing syndrome. Also called: Hereditary Cancer Syndrome; Tumor predisposition; Neoplastic Syndromes, Hereditary; Hereditary neoplastic syndrome. Identifiers: Orphanet 140162, MedGen C0027672, MeSH D009386, MONDO:0015356.
Hereditary breast ovarian cancer syndrome. Also called: Breast and ovarian cancer; BRCA1- and BRCA2-Associated Hereditary Breast and Ovarian Cancer; Hereditary breast and ovarian cancer; Hereditary breast and ovarian cancer syndrome (HBOC); Hereditary breast and ovarian cancer syndrome; Hereditary breast and/or ovarian cancer syndrome. Identifiers: Orphanet 145, MedGen C0677776, MeSH D061325, MONDO:0003582. Disease mechanism: loss of function.
Breast-ovarian cancer, familial, susceptibility to, 1 (BROVCA1). Also called: BRCA1 Hereditary Breast and Ovarian Cancer; OVARIAN CANCER, SUSCEPTIBILITY TO. Identifiers: Orphanet 145, MedGen C2676676, MONDO:0011450, OMIM 604370. Disease mechanism: loss of function.

Submissions (10):

Evidence-based Network for the Interpretation of Germline Mutant Alleles (ENIGMA)
Classification: Pathogenic for Breast-ovarian cancer, familial, susceptibility to, 1. Last evaluated: 2016-09-08. Review status: reviewed by expert panel. Criteria: ENIGMA BRCA1/2 Classification Criteria (2015). Collection method: curation. Allele origin: germline.
Comment: Variant allele predicted to encode a truncated non-functional protein.

Labcorp Genetics (formerly Invitae), Labcorp
Classification: Pathogenic for Hereditary breast ovarian cancer syndrome. Last evaluated: 2025-08-17. Review status: criteria provided, single submitter. Criteria: Invitae Variant Classification Sherloc (09022015). Collection method: clinical testing. Allele origin: germline. Not counted in ClinVar's aggregate classification.
Comment: This sequence change creates a premature translational stop signal (p.Ser915*) in the BRCA1 gene. It is expected to result in an absent or disrupted protein product. Loss-of-function variants in BRCA1 are known to be pathogenic (PMID: 20104584). This variant is not present in population databases (gnomAD no frequency). This premature translational stop signal has been observed in individual(s) with breast and ovarian cancer (PMID: 7894493). It has also been observed to segregate with disease in related individuals. This variant is also known as 2862delTC. ClinVar contains an entry for this variant (Variation ID: 54668). For these reasons, this variant has been classified as Pathogenic.

CeGaT Center for Human Genetics Tuebingen
Classification: Pathogenic. Last evaluated: 2025-07-01. Review status: criteria provided, single submitter. Criteria: CeGaT Center For Human Genetics Tuebingen Variant Classification Criteria Version 2. Collection method: clinical testing. Allele origin: germline. Affected: yes. Observed: 2 variant alleles. Not counted in ClinVar's aggregate classification.
Comment: BRCA1: PVS1, PM2, PS4:Moderate

Ambry Genetics
Classification: Pathogenic for Hereditary cancer-predisposing syndrome. Last evaluated: 2022-08-01. Review status: criteria provided, single submitter. Criteria: Ambry Variant Classification Scheme 2023. Collection method: clinical testing. Allele origin: germline. Not counted in ClinVar's aggregate classification.
Comment: The c.2744_2745delCT pathogenic mutation, located in coding exon 9 of the BRCA1 gene, results from a deletion of two nucleotides at nucleotide positions 2744 to 2745, causing a translational frameshift with a predicted alternate stop codon (p.S915*). This variant has been identified in multiple individuals with a personal and/or family history of breast and/or ovarian cancer (Friedman, LS et al. Nat Genet. 1994 Dec;8(4):399-404; Maxwell KN et al. Am J Hum Genet, 2016 May;98:801-817). This variant is considered to be rare based on population cohorts in the Genome Aggregation Database (gnomAD). In addition to the clinical data presented in the literature, this alteration is expected to result in loss of function by premature protein truncation or nonsense-mediated mRNA decay. As such, this alteration is interpreted as a disease-causing mutation.

MGZ Medical Genetics Center
Classification: Pathogenic for Breast-ovarian cancer, familial, susceptibility to, 1. Last evaluated: 2022-07-18. Review status: criteria provided, single submitter. Criteria: ACMG Guidelines, 2015. Collection method: clinical testing. Allele origin: germline. Affected: yes. Observed: 1 variant allele. Not counted in ClinVar's aggregate classification.
Comment: ACMG criteria applied: PVS1, PS4_SUP, PM2_SUP

Women's Health and Genetics/Laboratory Corporation of America, LabCorp
Classification: Pathogenic for Hereditary breast ovarian cancer syndrome. Last evaluated: 2021-10-03. Review status: criteria provided, single submitter. Criteria: LabCorp Variant Classification Summary - May 2015. Collection method: clinical testing. Allele origin: germline. Not counted in ClinVar's aggregate classification.
Comment: Variant summary: BRCA1 c.2744_2745delCT (p.Ser915X) results in a premature termination codon, predicted to cause a truncation of the encoded protein or absence of the protein due to nonsense mediated decay, which are commonly known mechanisms for disease. Truncations downstream of this position have been classified as pathogenic by our laboratory. The variant was absent in 250744 control chromosomes. c.2744_2745delCT has been reported in the literature in individuals affected with Hereditary Breast And Ovarian Cancer Syndrome (example, Friedman_1994, Laitman_2019). These data indicate that the variant is likely to be associated with disease. To our knowledge, no experimental evidence demonstrating an impact on protein function has been reported. Two clinical diagnostic laboratories and an expert panel (ENIGMA) have submitted clinical-significance assessments for this variant to ClinVar after 2014 without evidence for independent evaluation. All submitters classified the variant as pathogenic. Based on the evidence outlined above, the variant was classified as pathogenic.

Human Genome Sequencing Center Clinical Lab, Baylor College of Medicine
Classification: Pathogenic for Familial breast-ovarian cancer 1. Last evaluated: 2018-11-08. Review status: criteria provided, single submitter. Criteria: ACMG Guidelines, 2015. Collection method: clinical testing. Allele origin: germline. Not counted in ClinVar's aggregate classification.
Comment: This c.2744_2745delCT (p.Ser915*) deletion in exon 10 of the BRCA1 gene creates a frameshift deletion and is predicted to result a premature stop codon and lead to nonsense-mediated mRNA decay, which is a known disease mechanism for this gene. This variant has been reported in a family with 5 individuals affected with breast cancer and 3 individuals affected with ovarian cancer (PMID:7894493). This variant is not observed in general population databases. Therefore, the c.2744_2745delCT (p.Ser915*) variant in the BRCA1 gene is classified as pathogenic.

Genesis Genomics
Classification: Pathogenic for Breast-ovarian cancer, familial, susceptibility to, 1. Review status: criteria provided, single submitter. Criteria: ACMG Guidelines, 2015. Collection method: clinical testing. Allele origin: germline. Affected: yes. Observed: 1 variant allele. Not counted in ClinVar's aggregate classification.

OMIM
Classification: Pathogenic for BREAST-OVARIAN CANCER, FAMILIAL, SUSCEPTIBILITY TO, 1. Last evaluated: 1994-12-01. Review status: no assertion criteria provided. Collection method: literature only. Allele origin: germline. Not counted in ClinVar's aggregate classification.

Breast Cancer Information Core (BIC) (BRCA1)
Classification: Pathogenic for Breast-ovarian cancer, familial 1. Review status: no assertion criteria provided. Collection method: clinical testing. Allele origin: germline. Affected: yes. Observed: 1 variant allele. Not counted in ClinVar's aggregate classification.

Literature cited by the submitters: PubMed 20104584 (cited by Labcorp Genetics (formerly Invitae), Labcorp); PubMed 7894493 (cited by 4 submitters); PubMed 27153395 (cited by Ambry Genetics); PubMed 31209999 (cited by Women's Health and Genetics/Laboratory Corporation of America, LabCorp).

NM_007294.4(BRCA1):c.2744_2745del (p.Glu914_Ser915insTer)

Gene: BRCA1 (BRCA1 DNA repair associated; minus strand). Cytogenetic location: 17q21.31.
Variant type: Deletion.
Coding change: c.2744_2745del on transcript NM_007294.4 (MANE Select); coding-DNA positions 2744 to 2745, 2 bases deleted (CT; older notation c.2744_2745delCT).
Protein change: p.Glu914_Ser915insTer.
Molecular consequence: nonsense. On other transcripts: frameshift variant (1), intron variant (137).
Genome position (GRCh38, 1-based): chr17:43,092,786-43,092,787, AG deleted on the plus strand (CT on the coding strand, the reverse complement: BRCA1 is on the minus strand); deleting any 2 consecutive bases within chr17:43,092,786-43,092,788 gives the same sequence; the c. name uses the placement nearest the transcript's 3' end. VCF-style (leftmost placement, unchanged base first): chr17-43092785-TAG-T. GRCh37 (hg19) VCF-style: chr17-41244802-TAG-T.
Other names: 2862delTC; S915*; c.2743_2744del (U14680.1); c.2744_2745delCT (NM_007294.3); c.2531_2532del, p.Glu843_Ser844insTer (NM_001407571.1, NM_001407853.1, NM_001407894.1 and 9 more transcripts); c.2744_2745del, p.Glu914_Ser915insTer (NM_001407581.1, NM_001407582.1, NM_001407583.1 and 30 more transcripts); c.2741_2742del, p.Glu913_Ser914insTer (NM_001407587.1, NM_001407590.1, NM_001407591.1 and 22 more transcripts); c.2735_2736del, p.Glu911_Ser912insTer (NM_001407646.1, NM_001407647.1); and 45 more.
Identifiers: ClinVar variation 54668 (VCV000054668.29), dbSNP rs80357540, ClinGen allele CA001807.